The following is an entry in ClinVar:

NM_000379.4(XDH):c.*1477A>G

Gene: XDH (xanthine dehydrogenase; minus strand). Cytogenetic location: 2p23.1.
Variant type: single nucleotide variant.
Coding change: c.*1477A>G on transcript NM_000379.4 (MANE Select); 1477 bases downstream of the stop codon, A replaced by G.
Molecular consequence: 3 prime UTR variant.
Genome position (GRCh38, 1-based): chr2:31,334,481, T>C on the plus strand (A>G on the coding strand, the complement: XDH is on the minus strand). VCF-style: chr2-31334481-T-C. GRCh37 (hg19) VCF-style: chr2-31557347-T-C.
Identifiers: ClinVar variation 335737 (VCV000335737.6), dbSNP rs6710015, ClinGen allele CA10615262.

ClinVar aggregate classification (germline): Benign. Review status: criteria provided, multiple submitters, no conflicts (2 of 4 stars). 2 submissions from 2 submitters: Benign (2). Last evaluated 2018-01-13.

Conditions:
Hereditary xanthinuria type 1 (XAN1). Identifiers: Orphanet 3467, Orphanet 93601, MedGen C0268118, MONDO:0010209, OMIM 278300.

Allele frequency attached by ClinVar (database versions not stated): gnomAD exomes 0.18750; gnomAD 0.42927 and 0.43278; TOPMed 0.44492; 1000 Genomes Project 0.45627; 1000 Genomes Project 30x 0.46159.
gnomAD v4.1: 65,162 of 152,006 alleles (43%); highest among the groups gnomAD compares: African/African-American, 71%; 16,247 homozygotes.

Submissions (2):

Illumina Laboratory Services, Illumina
Classification: Benign for Hereditary xanthinuria type 1. Last evaluated: 2018-01-13. Review status: criteria provided, single submitter. Criteria: ICSL Variant Classification Criteria 13 December 2019. Collection method: clinical testing. Allele origin: germline.
Comment: This variant was observed in the ICSL laboratory as part of a predisposition screen in an ostensibly healthy population. It had not been previously curated by ICSL or reported in the Human Gene Mutation Database (HGMD: prior to June 1st, 2018), and was therefore a candidate for classification through an automated scoring system. Utilizing variant allele frequency, disease prevalence and penetrance estimates, and inheritance mode, an automated score was calculated to assess if this variant is too frequent to cause the disease. Based on the score and internal cut-off values, a variant classified as benign is not then subjected to further curation. The score for this variant resulted in a classification of benign for this disease.

Breakthrough Genomics
Classification: Benign. Review status: criteria provided, single submitter. Criteria: ACMG Guidelines, 2015. Collection method: not provided. Allele origin: germline. Inheritance: Autosomal recessive inheritance. Affected: yes.